The following is an entry in ClinVar:

NM_032119.4(ADGRV1):c.13081A>G (p.Arg4361Gly)

Gene: ADGRV1 (adhesion G protein-coupled receptor V1; plus strand). Cytogenetic location: 5q14.3.
Variant type: single nucleotide variant.
Coding change: c.13081A>G on transcript NM_032119.4 (MANE Select); coding-DNA position 13081, A replaced by G.
Protein change: p.Arg4361Gly; replaces arginine 4361 with glycine.
Molecular consequence: missense variant. On other transcripts: non-coding transcript variant (1).
Genome position (GRCh38, 1-based): chr5:90,779,096, A>G. VCF-style: chr5-90779096-A-G. GRCh37 (hg19) VCF-style: chr5-90074913-A-G.
Other names: short protein forms R4361G.
Identifiers: ClinVar variation 3717592 (VCV003717592.2).

ClinVar aggregate classification (germline): Uncertain significance (1 of 4 stars; one submission).

Submission:

Labcorp Genetics (formerly Invitae), Labcorp
Classification: Uncertain significance. Last evaluated: 2024-09-16. Review status: criteria provided, single submitter. Criteria: Invitae Variant Classification Sherloc (09022015). Collection method: clinical testing. Allele origin: germline.
Comment: This sequence change replaces arginine, which is basic and polar, with glycine, which is neutral and non-polar, at codon 4361 of the ADGRV1 protein (p.Arg4361Gly). This variant is not present in population databases (gnomAD no frequency). This missense change has been observed in individual(s) with early-onset deafness (internal data). An algorithm developed to predict the effect of missense changes on protein structure and function (PolyPhen-2) suggests that this variant is likely to be disruptive. Algorithms developed to predict the effect of sequence changes on RNA splicing suggest that this variant may disrupt the consensus splice site. In summary, the available evidence is currently insufficient to determine the role of this variant in disease. Therefore, it has been classified as a Variant of Uncertain Significance.